The following is an entry in ClinVar:

NM_017934.7(PHIP):c.2621C>T (p.Thr874Ile)

Gene: PHIP (PHIP subunit of CUL4-Ring ligase complex; minus strand). Cytogenetic location: 6q14.1.
Variant type: single nucleotide variant.
Coding change: c.2621C>T on transcript NM_017934.7 (MANE Select); coding-DNA position 2621, C replaced by T.
Protein change: p.Thr874Ile; replaces threonine 874 with isoleucine.
Molecular consequence: missense variant.
Genome position (GRCh38, 1-based): chr6:78,983,034, G>A on the plus strand (C>T on the coding strand, the complement: PHIP is on the minus strand). VCF-style: chr6-78983034-G-A. GRCh37 (hg19) VCF-style: chr6-79692751-G-A.
Other names: c.2621C>T (NM_017934.6); short protein forms T874I.
Identifiers: ClinVar variation 1257410 (VCV001257410.13), dbSNP rs11547228, ClinGen allele CA3899897.

ClinVar aggregate classification (germline): Benign/Likely benign. Review status: criteria provided, multiple submitters, no conflicts (2 of 4 stars). 4 submissions from 4 submitters: Benign (2); Likely benign (1). 1 of the submissions does not count toward it. Last evaluated 2026-02-03.

Conditions:
PHIP-related disorder. Also called: PHIP-related condition; PHIP-related disorders.

Allele frequency attached by ClinVar (database versions not stated): TOPMed 0.07270; 1000 Genomes Project 0.07548; 1000 Genomes Project 30x 0.07573; gnomAD 0.07632 and 0.07813; ESP Exome Variant Server 0.07743; ExAC 0.08611; gnomAD exomes 0.08699 and 0.10095.
gnomAD v4.1: 159,298 of 1,610,324 alleles (9.9%); highest among the groups gnomAD compares: Middle Eastern, 13%; 8,480 homozygotes.

Submissions (4):

Labcorp Genetics (formerly Invitae), Labcorp
Classification: Benign. Last evaluated: 2026-02-03. Review status: criteria provided, single submitter. Criteria: Invitae Variant Classification Sherloc (09022015). Collection method: clinical testing. Allele origin: germline.

Blueprint Genetics
Classification: Likely benign. Last evaluated: 2024-11-27. Review status: criteria provided, single submitter. Criteria: ACMG Guidelines, 2015. Collection method: clinical testing. Allele origin: germline.

GeneDx
Classification: Benign. Last evaluated: 2021-06-09. Review status: criteria provided, single submitter. Criteria: GeneDx Variant Classification Process June 2021. Collection method: clinical testing. Allele origin: germline. Affected: yes.

PreventionGenetics, part of Exact Sciences
Classification: Benign for PHIP-related condition. Last evaluated: 2022-07-19. Review status: no assertion criteria provided. Collection method: clinical testing. Allele origin: germline. Not counted in ClinVar's aggregate classification.
Comment: This variant is classified as benign based on ACMG/AMP sequence variant interpretation guidelines (Richards et al. 2015 PMID: 25741868, with internal and published modifications).